The following is an entry in ClinVar:

ClinVar aggregate classification (germline): Likely pathogenic. Review status: criteria provided, single submitter (1 of 4 stars). 2 submissions from 2 submitters: Likely pathogenic (1). 1 of the submissions does not count toward it. Last evaluated 2024-02-11.

Conditions:
DE SANCTIS-CACCHIONE SYNDROME. Identifiers: MedGen C0265201, MONDO:0010217, OMIM 278800.
Cerebrooculofacioskeletal syndrome 1 (COFS1). Also called: Cerebro-oculo-facio-skeletal syndrome 1. Identifiers: MedGen C0220722, MONDO:0008955, OMIM 214150.
Cockayne syndrome type 2 (CSB). Also called: COCKAYNE SYNDROME B; Cockayne Syndrome, Type II. Identifiers: Orphanet 191, Orphanet 90322, MedGen C0751038, MONDO:0019570, OMIM 133540.

Allele frequency attached by ClinVar (database versions not stated): TOPMed below 0.00001; gnomAD 0.00001 and 0.00002; gnomAD exomes 0.00001.
gnomAD v4.1: 6 of 1,613,632 alleles (0.00037%); highest among the groups gnomAD compares: African/African-American, 0.004%; no homozygotes.

Submissions (2):

Labcorp Genetics (formerly Invitae), Labcorp
Classification: Likely pathogenic. Last evaluated: 2024-02-11. Review status: criteria provided, single submitter. Criteria: Invitae Variant Classification Sherloc (09022015). Collection method: clinical testing. Allele origin: germline.
Comment: This sequence change affects a donor splice site in intron 2 of the ERCC6 gene. It is expected to disrupt RNA splicing. Variants that disrupt the donor or acceptor splice site typically lead to a loss of protein function (PMID: 16199547), and loss-of-function variants in ERCC6 are known to be pathogenic (PMID: 18628313, 29572252). This variant is present in population databases (no rsID available, gnomAD 0.003%). This variant has not been reported in the literature in individuals affected with ERCC6-related conditions. ClinVar contains an entry for this variant (Variation ID: 550687). Algorithms developed to predict the effect of sequence changes on RNA splicing suggest that this variant may disrupt the consensus splice site. In summary, the currently available evidence indicates that the variant is pathogenic, but additional data are needed to prove that conclusively. Therefore, this variant has been classified as Likely Pathogenic.

Counsyl
Classification: Likely pathogenic for Cockayne syndrome type 2; Cerebrooculofacioskeletal syndrome 1; DE SANCTIS-CACCHIONE SYNDROME. Last evaluated: 2017-02-08. Review status: no assertion criteria provided. Collection method: clinical testing. Allele origin: unknown. Not counted in ClinVar's aggregate classification.

Literature cited by the submitters: PubMed 16199547 (cited by Labcorp Genetics (formerly Invitae), Labcorp); PubMed 18628313 (cited by Labcorp Genetics (formerly Invitae), Labcorp); PubMed 29572252 (cited by Labcorp Genetics (formerly Invitae), Labcorp).

NM_000124.4(ERCC6):c.422+1G>A

Gene: ERCC6 (ERCC excision repair 6, chromatin remodeling factor; minus strand). Cytogenetic location: 10q11.23.
Variant type: single nucleotide variant.
Coding change: c.422+1G>A on transcript NM_000124.4 (MANE Select); the canonical splice donor site of the intron after coding-DNA position 422, G replaced by A.
Molecular consequence: splice donor variant.
Genome position (GRCh38, 1-based): chr10:49,532,542, C>T on the plus strand (G>A on the coding strand, the complement: ERCC6 is on the minus strand). VCF-style: chr10-49532542-C-T. GRCh37 (hg19) VCF-style: chr10-50740588-C-T.
Other names: c.422+1G>A (NM_001346440.2, NM_001277059.2, NM_001277058.2).
Identifiers: ClinVar variation 550687 (VCV000550687.9), dbSNP rs1198472093, ClinGen allele CA376711856.
Genomic context (GRCh38, chr10:49,532,542, plus strand): 5'-CCTGAATATCCCTGTCATGTTTTACCACCACTTTGAAAGGAAGAAGATGGGCTGCACTCA[C>T]GTGAGGTCATCCAGGACCGACCGATACTCCTTCTCCACGTCAACGAGCTGGGAGGCACGG-3'